The following is an entry in ClinVar:

NM_001349206.2(LPIN1):c.1886+5G>A

Gene: LPIN1 (lipin 1; plus strand). Cytogenetic location: 2p25.1.
Variant type: single nucleotide variant.
Coding change: c.1886+5G>A on transcript NM_001349206.2 (MANE Select); 5 bases into the intron after coding-DNA position 1886, G replaced by A.
Molecular consequence: intron variant.
Genome position (GRCh38, 1-based): chr2:11,795,492, G>A. VCF-style: chr2-11795492-G-A. GRCh37 (hg19) VCF-style: chr2-11935618-G-A.
Other names: c.2033+5G>A (NM_001261428.3); c.1925+5G>A (NM_001349208.2); c.1976+5G>A (NM_001349207.2); c.1796+5G>A (NM_001261427.3); c.1886+5G>A (NM_001349204.2, NM_001349205.2); c.1883+5G>A (NM_001349202.2, NM_001349203.2); c.1856+5G>A (NM_001349200.2, NM_001349201.2); c.1778+5G>A (NM_001349199.2, NM_145693.4).
Identifiers: ClinVar variation 894495 (VCV000894495.8), dbSNP rs201689636, ClinGen allele CA42569627.

ClinVar aggregate classification (germline): Uncertain significance. Review status: criteria provided, multiple submitters, no conflicts (2 of 4 stars). 3 submissions from 3 submitters: Uncertain significance (3). Last evaluated 2024-03-27.

Conditions:
Myoglobinuria, acute recurrent, autosomal recessive. Also called: Myoglobinuria, recurrent, autosomal recessive; MYOGLOBINURIA, FAMILIAL PAROXYSMAL PARALYTIC; RHABDOMYOLYSIS, ACUTE RECURRENT. Identifiers: Orphanet 99845, MedGen C1849386, MONDO:0009992, OMIM 268200.

Allele frequency attached by ClinVar (database versions not stated): TOPMed 0.00003; 1000 Genomes Project 30x 0.00016; 1000 Genomes Project 0.00020.
gnomAD v4.1: 25 of 1,613,714 alleles (0.0015%); highest among the groups gnomAD compares: East Asian, 0.0067%; no homozygotes.

Submissions (3):

Fulgent Genetics
Classification: Uncertain significance for Myoglobinuria, acute recurrent, autosomal recessive. Last evaluated: 2024-03-27. Review status: criteria provided, single submitter. Criteria: ACMG Guidelines, 2015. Collection method: clinical testing. Allele origin: germline.

Labcorp Genetics (formerly Invitae), Labcorp
Classification: Uncertain significance. Last evaluated: 2022-07-22. Review status: criteria provided, single submitter. Criteria: Invitae Variant Classification Sherloc (09022015). Collection method: clinical testing. Allele origin: germline.
Comment: This sequence change falls in intron 13 of the LPIN1 gene. It does not directly change the encoded amino acid sequence of the LPIN1 protein. It affects a nucleotide within the consensus splice site. This variant is present in population databases (rs201689636, gnomAD 0.01%). In summary, the available evidence is currently insufficient to determine the role of this variant in disease. Therefore, it has been classified as a Variant of Uncertain Significance. Variants that disrupt the consensus splice site are a relatively common cause of aberrant splicing (PMID: 17576681, 9536098). Algorithms developed to predict the effect of sequence changes on RNA splicing suggest that this variant is not likely to affect RNA splicing. ClinVar contains an entry for this variant (Variation ID: 894495). This variant has not been reported in the literature in individuals affected with LPIN1-related conditions.

Illumina Laboratory Services, Illumina
Classification: Uncertain significance for Myoglobinuria, acute recurrent, autosomal recessive. Last evaluated: 2018-01-13. Review status: criteria provided, single submitter. Criteria: ICSL Variant Classification Criteria 13 December 2019. Collection method: clinical testing. Allele origin: germline.

Literature cited by the submitters: PubMed 17576681 (cited by Labcorp Genetics (formerly Invitae), Labcorp); PubMed 9536098 (cited by Labcorp Genetics (formerly Invitae), Labcorp).